The following is an entry in ClinVar:

ClinVar aggregate classification (germline): Uncertain significance (1 of 4 stars; one submission).

Conditions:
Schimke immuno-osseous dysplasia (SIOD). Also called: Schimke Immunoosseous Dysplasia. Identifiers: Orphanet 1830, MedGen C0877024, MONDO:0009458, OMIM 242900.

Submission:

Labcorp Genetics (formerly Invitae), Labcorp
Classification: Uncertain significance for Schimke immuno-osseous dysplasia. Last evaluated: 2022-12-16. Review status: criteria provided, single submitter. Criteria: Invitae Variant Classification Sherloc (09022015). Collection method: clinical testing. Allele origin: germline.
Comment: In summary, the available evidence is currently insufficient to determine the role of this variant in disease. Therefore, it has been classified as a Variant of Uncertain Significance. Advanced modeling of protein sequence and biophysical properties (such as structural, functional, and spatial information, amino acid conservation, physicochemical variation, residue mobility, and thermodynamic stability) performed at Invitae indicates that this missense variant is not expected to disrupt SMARCAL1 protein function. This variant has not been reported in the literature in individuals affected with SMARCAL1-related conditions. This variant is not present in population databases (gnomAD no frequency). This sequence change replaces phenylalanine, which is neutral and non-polar, with tyrosine, which is neutral and polar, at codon 330 of the SMARCAL1 protein (p.Phe330Tyr).

NM_014140.4(SMARCAL1):c.989T>A (p.Phe330Tyr)

Gene: SMARCAL1 (SNF2 related chromatin remodeling annealing helicase 1; plus strand). Cytogenetic location: 2q35.
Variant type: single nucleotide variant.
Coding change: c.989T>A on transcript NM_014140.4 (MANE Select); coding-DNA position 989, T replaced by A.
Protein change: p.Phe330Tyr; replaces phenylalanine 330 with tyrosine.
Molecular consequence: missense variant.
Genome position (GRCh38, 1-based): chr2:216,420,425, T>A. VCF-style: chr2-216420425-T-A. GRCh37 (hg19) VCF-style: chr2-217285148-T-A.
Other names: c.989T>A, p.Phe330Tyr (NM_001127207.2); short protein forms F330Y.
Identifiers: ClinVar variation 2170613 (VCV002170613.2), dbSNP rs2469621020, ClinGen allele CA350498509.
Genomic context (GRCh38, chr2:216,420,425, plus strand): 5'-AGTCACCCTCCACCAGCAGTGAGGGACAGGCCGGCCTTCCATCAGCTCCATCCCTTTCAT[T>A]TGTCAAAGGGCGATGCATGCTCATCTCCAGGGCCTACTTCGAGGCAGACATCAGTTATTC-3'
Protein context (NP_054859.2, residues 320-340): AGLPSAPSLS[Phe330Tyr]VKGRCMLISR